The following is an entry in ClinVar:

NM_002890.3(RASA1):c.287C>T (p.Ala96Val)

Gene: RASA1 (RAS p21 protein activator 1; plus strand). Cytogenetic location: 5q14.3.
Variant type: single nucleotide variant.
Coding change: c.287C>T on transcript NM_002890.3 (MANE Select); coding-DNA position 287, C replaced by T.
Protein change: p.Ala96Val; replaces alanine 96 with valine.
Molecular consequence: missense variant.
Genome position (GRCh38, 1-based): chr5:87,268,738, C>T. VCF-style: chr5-87268738-C-T. GRCh37 (hg19) VCF-style: chr5-86564555-C-T.
Other names: short protein forms A96V.
Identifiers: ClinVar variation 3942991 (VCV003942991.2).

ClinVar aggregate classification (germline): Uncertain significance. Review status: criteria provided, multiple submitters, no conflicts (2 of 4 stars). 2 submissions from 2 submitters: Uncertain significance (2). Last evaluated 2025-10-01.

Conditions:
Cardiovascular phenotype. Identifiers: MedGen CN230736.
Capillary malformation-arteriovenous malformation syndrome. Also called: Capillary malformation-arteriovenous malformation. Identifiers: Orphanet 137667, MedGen C1842180, MONDO:0012016.

gnomAD v4.1: 2 of 1,613,074 alleles (0.00012%); highest among the groups gnomAD compares: Non-Finnish European, 0.00017%; no homozygotes.

Submissions (2):

Labcorp Genetics (formerly Invitae), Labcorp
Classification: Uncertain significance for Capillary malformation-arteriovenous malformation syndrome. Last evaluated: 2025-10-01. Review status: criteria provided, single submitter. Criteria: Invitae Variant Classification Sherloc (09022015). Collection method: clinical testing. Allele origin: germline.
Comment: This sequence change replaces alanine, which is neutral and non-polar, with valine, which is neutral and non-polar, at codon 96 of the RASA1 protein (p.Ala96Val). This variant is not present in population databases (gnomAD no frequency). This variant has not been reported in the literature in individuals affected with RASA1-related conditions. ClinVar contains an entry for this variant (Variation ID: 3942991). An algorithm developed to predict the effect of missense changes on protein structure and function (PolyPhen-2) suggests that this variant is likely to be disruptive. In summary, the available evidence is currently insufficient to determine the role of this variant in disease. Therefore, it has been classified as a Variant of Uncertain Significance.

Ambry Genetics
Classification: Uncertain significance for Cardiovascular phenotype. Last evaluated: 2025-03-28. Review status: criteria provided, single submitter. Criteria: Ambry Variant Classification Scheme 2023. Collection method: clinical testing. Allele origin: germline.